The following is an entry in ClinVar:

NC_000001.11:g.(?_247418775)_(247448734_?)del

Gene: NLRP3 (NLR family pyrin domain containing 3; plus strand). Cytogenetic location: 1q44.
Variant type: Deletion.
Identifiers: ClinVar variation 830714 (VCV000830714.5).

ClinVar aggregate classification (germline): Uncertain significance (1 of 4 stars; one submission).

Conditions:
Cryopyrin associated periodic syndrome (CAPS). Identifiers: Orphanet 208650, MedGen C2316212, MONDO:0016168.

Submission:

Labcorp Genetics (formerly Invitae), Labcorp
Classification: Uncertain significance for Cryopyrin associated periodic syndrome. Last evaluated: 2019-10-03. Review status: criteria provided, single submitter. Criteria: Invitae Variant Classification Sherloc (09022015). Collection method: clinical testing. Allele origin: germline.
Comment: In summary, the available evidence is currently insufficient to determine the role of this variant in disease. Therefore, it has been classified as a Variant of Uncertain Significance. The current clinical and genetic evidence is not sufficient to establish whether loss-of-function variants in NLRP3 cause disease. This variant has not been reported in the literature in individuals with NLRP3-related conditions. A gross deletion of the genomic region encompassing the full coding sequence of the NLRP3 gene has been identified. The boundaries of this event are unknown as the deletion extends beyond the assayed region for this gene and therefore may encompass additional genes.